The following is an entry in ClinVar:

NM_001379500.1(COL18A1):c.2314G>A (p.Asp772Asn)

Gene: COL18A1 (collagen type XVIII alpha 1 chain; plus strand). Cytogenetic location: 21q22.3.
Variant type: single nucleotide variant.
Coding change: c.2314G>A on transcript NM_001379500.1 (MANE Select); coding-DNA position 2314, G replaced by A.
Protein change: p.Asp772Asn; replaces aspartic acid 772 with asparagine.
Molecular consequence: missense variant.
Genome position (GRCh38, 1-based): chr21:45,493,537, G>A. VCF-style: chr21-45493537-G-A. GRCh37 (hg19) VCF-style: chr21-46913451-G-A.
Other names: c.2854G>A, p.Asp952Asn (NM_030582.4); c.3559G>A, p.Asp1187Asn (NM_130444.3); short protein forms D772N, D1187N, D952N.
Identifiers: ClinVar variation 1423268 (VCV001423268.3), dbSNP rs1448522581, ClinGen allele CA410497457.

ClinVar aggregate classification (germline): Uncertain significance (1 of 4 stars; one submission).

Allele frequency attached by ClinVar (database versions not stated): gnomAD 0.00001; gnomAD exomes 0.00001 and 0.00002; TOPMed 0.00001.
gnomAD v4.1: 15 of 1,561,190 alleles (0.00096%); highest among the groups gnomAD compares: African/African-American, 0.0027%; no homozygotes.

Submission:

Labcorp Genetics (formerly Invitae), Labcorp
Classification: Uncertain significance. Last evaluated: 2022-08-20. Review status: criteria provided, single submitter. Criteria: Invitae Variant Classification Sherloc (09022015). Collection method: clinical testing. Allele origin: germline.
Comment: This sequence change replaces aspartic acid, which is acidic and polar, with asparagine, which is neutral and polar, at codon 772 of the COL18A1 protein (p.Asp772Asn). The frequency data for this variant in the population databases is considered unreliable, as metrics indicate poor data quality at this position in the gnomAD database. This variant has not been reported in the literature in individuals affected with COL18A1-related conditions. ClinVar contains an entry for this variant (Variation ID: 1423268). Experimental studies and prediction algorithms are not available or were not evaluated, and the functional significance of this variant is currently unknown. In summary, the available evidence is currently insufficient to determine the role of this variant in disease. Therefore, it has been classified as a Variant of Uncertain Significance.